The following is an entry in ClinVar:

NM_000088.4(COL1A1):c.2458G>C (p.Asp820His)

Gene: COL1A1 (collagen type I alpha 1 chain; minus strand). Cytogenetic location: 17q21.33.
Variant type: single nucleotide variant.
Coding change: c.2458G>C on transcript NM_000088.4 (MANE Select); coding-DNA position 2458, G replaced by C.
Protein change: p.Asp820His; replaces aspartic acid 820 with histidine.
Molecular consequence: missense variant.
Genome position (GRCh38, 1-based): chr17:50,190,102, C>G on the plus strand (G>C on the coding strand, the complement: COL1A1 is on the minus strand). VCF-style: chr17-50190102-C-G. GRCh37 (hg19) VCF-style: chr17-48267463-C-G.
Other names: short protein forms D820H.
Identifiers: ClinVar variation 3666825 (VCV003666825.2).
Genomic context (GRCh38, chr17:50,190,102, plus strand): 5'-GACCAGCATCGCCTTTAGCACCAGCATCACCAGGTTCGCCTTTAGCACCAGGTTGGCCGT[C>G]AGCACCCTGGGGGAGGAAGCAGGGCGGTGAATGGAGGGAAGGAGGCAGGAGTTTCCACTA-3'
Protein context (NP_000079.2, residues 810-830): PAGFAGPPGA[Asp820His]GQPGAKGEPG

ClinVar aggregate classification (germline): Uncertain significance (1 of 4 stars; one submission).

Conditions:
Osteogenesis imperfecta type I (OI1). Also called: OI, TYPE I; OSTEOGENESIS IMPERFECTA TARDA; OSTEOGENESIS IMPERFECTA WITH BLUE SCLERAE; Osteogenesis imperfecta type 1; Lobstein's Disease; Lobstein disease. Identifiers: Orphanet 216796, Orphanet 666, MedGen C0023931, MONDO:0008146, OMIM 166200. Disease mechanism: loss of function.

gnomAD v4.1: 1 of 1,613,432 alleles (0.000062%); highest among the groups gnomAD compares: South Asian, 0.0011%; no homozygotes.

Submission:

Labcorp Genetics (formerly Invitae), Labcorp
Classification: Uncertain significance for Osteogenesis imperfecta type I. Last evaluated: 2025-12-09. Review status: criteria provided, single submitter. Criteria: Invitae Variant Classification Sherloc (09022015). Collection method: clinical testing. Allele origin: germline.
Comment: This sequence change replaces aspartic acid, which is acidic and polar, with histidine, which is basic and polar, at codon 820 of the COL1A1 protein (p.Asp820His). This variant is present in population databases (no rsID available, gnomAD 0.003%). This variant has not been reported in the literature in individuals affected with COL1A1-related conditions. ClinVar contains an entry for this variant (Variation ID: 3666825). Invitae Evidence Modeling of protein sequence and biophysical properties (such as structural, functional, and spatial information, amino acid conservation, physicochemical variation, residue mobility, and thermodynamic stability) indicates that this missense variant is expected to disrupt COL1A1 protein function with a positive predictive value of 95%. In summary, the available evidence is currently insufficient to determine the role of this variant in disease. Therefore, it has been classified as a Variant of Uncertain Significance.